The following is an entry in ClinVar:

ClinVar aggregate classification (germline): Uncertain significance (1 of 4 stars; one submission).

Conditions:
Fanconi anemia complementation group J. Also called: BRIP1-Related Fanconi Anemia. Identifiers: Orphanet 84, MedGen C1836860, MONDO:0012187, OMIM 609054.
Familial cancer of breast. Also called: hereditary breast carcinoma; BREAST CANCER, FAMILIAL; Hereditary breast cancer. Identifiers: Orphanet 227535, MedGen C0346153, MONDO:0016419, OMIM 114480. Disease mechanism: loss of function.

Submission:

Labcorp Genetics (formerly Invitae), Labcorp
Classification: Uncertain significance for Familial cancer of breast; Fanconi anemia complementation group J. Last evaluated: 2019-02-25. Review status: criteria provided, single submitter. Criteria: Invitae Variant Classification Sherloc (09022015). Collection method: clinical testing. Allele origin: germline.
Comment: In summary, the available evidence is currently insufficient to determine the role of this variant in disease. Therefore, it has been classified as a Variant of Uncertain Significance. Algorithms developed to predict the effect of missense changes on protein structure and function are either unavailable or do not agree on the potential impact of this missense change (SIFT: "Tolerated"; PolyPhen-2: "Probably Damaging"; Align-GVGD: "Class C0"). This variant has not been reported in the literature in individuals with BRIP1-related conditions. This variant is not present in population databases (ExAC no frequency). This sequence change replaces glycine with alanine at codon 712 of the BRIP1 protein (p.Gly712Ala). The glycine residue is highly conserved and there is a small physicochemical difference between glycine and alanine.

NM_032043.3(BRIP1):c.2135G>C (p.Gly712Ala)

Gene: BRIP1 (BRCA1 interacting DNA helicase 1; minus strand). Cytogenetic location: 17q23.2.
Variant type: single nucleotide variant.
Coding change: c.2135G>C on transcript NM_032043.3 (MANE Select); coding-DNA position 2135, G replaced by C.
Protein change: p.Gly712Ala; replaces glycine 712 with alanine.
Molecular consequence: missense variant.
Genome position (GRCh38, 1-based): chr17:61,744,554, C>G on the plus strand (G>C on the coding strand, the complement: BRIP1 is on the minus strand). VCF-style: chr17-61744554-C-G. GRCh37 (hg19) VCF-style: chr17-59821915-C-G.
Other names: short protein forms G712A.
Identifiers: ClinVar variation 855816 (VCV000855816.10), dbSNP rs1060501755, ClinGen allele CA400483242.
Genomic context (GRCh38, chr17:61,744,554, plus strand): 5'-TTTTCTCCTCCCTGTGGTTCTACAATGACTGTCTTCACCAACTCCAGATTATGCCATAAA[C>G]CAGTAGAGAGCCAACGTTCTTTTAATTTTTCTAATAACTAAAGAGGGGAAAGAAAAAAAT-3'
Protein context (NP_114432.2, residues 702-722): EKLKERWLST[Gly712Ala]LWHNLELVKT